The following is an entry in ClinVar:

ClinVar aggregate classification (germline): Pathogenic (1 of 4 stars; one submission).

Conditions:
Hereditary cancer-predisposing syndrome. Also called: Neoplastic Syndromes, Hereditary; Tumor predisposition; Hereditary Cancer Syndrome; Hereditary neoplastic syndrome. Identifiers: Orphanet 140162, MedGen C0027672, MeSH D009386, MONDO:0015356.

Submission:

Ambry Genetics
Classification: Pathogenic for Hereditary cancer-predisposing syndrome. Last evaluated: 2020-07-17. Review status: criteria provided, single submitter. Criteria: Ambry Variant Classification Scheme 2023. Collection method: clinical testing. Allele origin: germline.
Comment: The c.1231_1234delATAC pathogenic mutation, located in coding exon 9 of the BRCA2 gene, results from a deletion of 4 nucleotides at nucleotide positions 1231 to 1234, causing a translational frameshift with a predicted alternate stop codon (p.I411Pfs*18). This alteration is expected to result in loss of function by premature protein truncation or nonsense-mediated mRNA decay. As such, this alteration is interpreted as a disease-causing mutation.

NM_000059.4(BRCA2):c.1231_1234del (p.Ile411fs)

Gene: BRCA2 (BRCA2 DNA repair associated; plus strand). Cytogenetic location: 13q13.1.
Variant type: Deletion.
Coding change: c.1231_1234del on transcript NM_000059.4 (MANE Select); coding-DNA positions 1231 to 1234, 4 bases deleted (ATAC; older notation c.1231_1234delATAC).
Protein change: p.Ile411fs; shifts the reading frame from isoleucine 411.
Molecular consequence: frameshift variant.
Genome position (GRCh38, 1-based): chr13:32,332,709-32,332,712, ATAC deleted. VCF-style (leftmost placement, unchanged base first): chr13-32332708-AATAC-A. GRCh37 (hg19) VCF-style: chr13-32906845-AATAC-A.
Other names: c.1231_1234delATAC, p.Ile411Profs (NM_001406719.1, NM_001406720.1, NM_001406721.1); short protein forms I411fs.
Identifiers: ClinVar variation 1755568 (VCV001755568.2), dbSNP rs2548519850, ClinGen allele CA2580086964.